The following is an entry in ClinVar:

ClinVar aggregate classification (germline): Uncertain significance (1 of 4 stars; one submission).

Conditions:
Predisposition to invasive fungal disease due to CARD9 deficiency (IMD103). Also called: CARD9 IMMUNODEFICIENCY; Candidiasis, familial, 2, autosomal recessive; IMMUNODEFICIENCY 103, SUSCEPTIBILITY TO FUNGAL INFECTIONS. Identifiers: Orphanet 457088, MedGen C1859353, MONDO:0008905, OMIM 212050.

Allele frequency attached by ClinVar (database versions not stated): gnomAD exomes below 0.00001.

Submission:

Labcorp Genetics (formerly Invitae), Labcorp
Classification: Uncertain significance for Predisposition to invasive fungal disease due to CARD9 deficiency. Last evaluated: 2021-11-11. Review status: criteria provided, single submitter. Criteria: Invitae Variant Classification Sherloc (09022015). Collection method: clinical testing. Allele origin: germline.
Comment: In summary, the available evidence is currently insufficient to determine the role of this variant in disease. Therefore, it has been classified as a Variant of Uncertain Significance. Algorithms developed to predict the effect of missense changes on protein structure and function (SIFT, PolyPhen-2, Align-GVGD) all suggest that this variant is likely to be tolerated. This variant has not been reported in the literature in individuals affected with CARD9-related conditions. This variant is not present in population databases (gnomAD no frequency). This sequence change replaces methionine, which is neutral and non-polar, with isoleucine, which is neutral and non-polar, at codon 187 of the CARD9 protein (p.Met187Ile).

NM_052813.5(CARD9):c.561G>A (p.Met187Ile)

Gene: CARD9 (caspase recruitment domain family member 9; minus strand). Cytogenetic location: 9q34.3.
Variant type: single nucleotide variant.
Coding change: c.561G>A on transcript NM_052813.5 (MANE Select); coding-DNA position 561, G replaced by A.
Protein change: p.Met187Ile; replaces methionine 187 with isoleucine.
Molecular consequence: missense variant.
Genome position (GRCh38, 1-based): chr9:136,370,907, C>T on the plus strand (G>A on the coding strand, the complement: CARD9 is on the minus strand). VCF-style: chr9-136370907-C-T. GRCh37 (hg19) VCF-style: chr9-139265359-C-T.
Other names: c.561G>A, p.Met187Ile (NM_052814.4); short protein forms M187I.
Identifiers: ClinVar variation 1392670 (VCV001392670.6), dbSNP rs2131443970, ClinGen allele CA375545207.